The following is an entry in ClinVar:

ClinVar aggregate classification (germline): Uncertain significance. Review status: criteria provided, multiple submitters, no conflicts (2 of 4 stars). 3 submissions from 3 submitters: Uncertain significance (2). 1 of the submissions does not count toward it. Last evaluated 2022-01-10.

Conditions:
ABCB11-related disorder. Also called: ABCB11-related condition.

Allele frequency attached by ClinVar (database versions not stated): TOPMed below 0.00001; gnomAD exomes 0.00001.
gnomAD v4.1: 3 of 1,563,258 alleles (0.00019%); highest among the groups gnomAD compares: Admixed American, 0.0055%; no homozygotes.

Submissions (3):

Mayo Clinic Laboratories, Mayo Clinic
Classification: Uncertain significance. Last evaluated: 2022-01-10. Review status: criteria provided, single submitter. Criteria: ACMG Guidelines, 2015. Collection method: clinical testing. Allele origin: germline.

Eurofins Ntd Llc (ga)
Classification: Uncertain significance. Last evaluated: 2017-09-29. Review status: criteria provided, single submitter. Criteria: EGL Classification Definitions 2015. Collection method: clinical testing. Allele origin: germline. Observed: 1 variant allele, 1 homozygote.

PreventionGenetics, part of Exact Sciences
Classification: Uncertain significance for ABCB11-related condition. Last evaluated: 2024-03-22. Review status: no assertion criteria provided. Collection method: clinical testing. Allele origin: germline. Not counted in ClinVar's aggregate classification.
Comment: The ABCB11 c.404A>C variant is predicted to result in the amino acid substitution p.Glu135Ala. This variant was reported in one individual with adult-onset liver disease; however, apparently only one variant allele was detected, and no additional evidence was provided to support pathogenicity (Table S1, Nayagam et al. 2022. PubMed ID: 35894240). An alternate substitution of the same amino acid (p.Glu135Lys) has been reported to be causative for cholestasis in multiple individuals (Byrne et al. 2009. PubMed ID: 19101985; Anzivino et al. 2013. PubMed ID: 23022423; Vitale et al. 2016. PubMed ID: 27493120). The c.404A>C (p.Glu135Ala) variant is reported in 0.0036% of alleles in individuals of Latino descent in gnomAD. At this time, the clinical significance of this variant is uncertain due to the absence of conclusive functional and genetic evidence.

NM_003742.4(ABCB11):c.404A>C (p.Glu135Ala)

Gene: ABCB11 (ATP binding cassette subfamily B member 11; minus strand). Cytogenetic location: 2q31.1.
Variant type: single nucleotide variant.
Coding change: c.404A>C on transcript NM_003742.4 (MANE Select); coding-DNA position 404, A replaced by C.
Protein change: p.Glu135Ala; replaces glutamic acid 135 with alanine.
Molecular consequence: missense variant.
Genome position (GRCh38, 1-based): chr2:168,996,708, T>G on the plus strand (A>C on the coding strand, the complement: ABCB11 is on the minus strand). VCF-style: chr2-168996708-T-G. GRCh37 (hg19) VCF-style: chr2-169853218-T-G.
Other names: p.Glu135Ala; c.404A>C, p.Glu135Ala (LRG_1199t1); c.404A>C (NM_003742.2); short protein forms E135A.
Identifiers: ClinVar variation 594169 (VCV000594169.9), dbSNP rs1288517834, ClinGen allele CA349132870.